The following is an entry in ClinVar:

ClinVar aggregate classification (germline): Uncertain significance (1 of 4 stars; one submission).

Conditions:
Pitt-Hopkins-like syndrome 2 (PTHSL2). Identifiers: Orphanet 221150, Orphanet 600663, MedGen C3280479, MONDO:0013690, OMIM 614325.

Allele frequency attached by ClinVar (database versions not stated): gnomAD exomes below 0.00001.
gnomAD v4.1: 1 of 1,611,918 alleles (0.000062%); highest among the groups gnomAD compares: Non-Finnish European, 0.000085%; no homozygotes.

Submission:

Labcorp Genetics (formerly Invitae), Labcorp
Classification: Uncertain significance for Pitt-Hopkins-like syndrome 2. Last evaluated: 2023-07-17. Review status: criteria provided, single submitter. Criteria: Invitae Variant Classification Sherloc (09022015). Collection method: clinical testing. Allele origin: germline.
Comment: In summary, the available evidence is currently insufficient to determine the role of this variant in disease. Therefore, it has been classified as a Variant of Uncertain Significance. An algorithm developed to predict the effect of missense changes on protein structure and function (PolyPhen-2) suggests that this variant is likely to be disruptive. ClinVar contains an entry for this variant (Variation ID: 2183910). This variant has not been reported in the literature in individuals affected with NRXN1-related conditions. This variant is not present in population databases (gnomAD no frequency). This sequence change replaces phenylalanine, which is neutral and non-polar, with leucine, which is neutral and non-polar, at codon 319 of the NRXN1 protein (p.Phe319Leu).

NM_001330078.2(NRXN1):c.858C>G (p.Phe286Leu)

Gene: NRXN1 (neurexin 1; minus strand). Cytogenetic location: 2p16.3.
Variant type: single nucleotide variant.
Coding change: c.858C>G on transcript NM_001330078.2 (MANE Select); coding-DNA position 858, C replaced by G.
Protein change: p.Phe286Leu; replaces phenylalanine 286 with leucine.
Molecular consequence: missense variant.
Genome position (GRCh38, 1-based): chr2:50,623,590, G>C on the plus strand (C>G on the coding strand, the complement: NRXN1 is on the minus strand). VCF-style: chr2-50623590-G-C. GRCh37 (hg19) VCF-style: chr2-50850728-G-C.
Other names: c.957C>G, p.Phe319Leu (NM_001135659.3); c.858C>G, p.Phe286Leu (NM_001330077.2, NM_001330082.2, NM_001330085.2 and 3 more transcripts); c.798C>G, p.Phe266Leu (NM_001330083.2, NM_001330084.2, NM_001330087.2 and 1 more transcripts); c.828C>G, p.Phe276Leu (NM_001330088.2); c.855C>G, p.Phe285Leu (NM_001330093.2); c.846C>G, p.Phe282Leu (NM_001330094.2); short protein forms F319L, F276L, F282L, F285L, F286L, F266L.
Identifiers: ClinVar variation 2183910 (VCV002183910.4), dbSNP rs1680440273, ClinGen allele CA346822680.
Genomic context (GRCh38, chr2:50,623,590, plus strand): 5'-ATCACTGCTGCTTTGAATGGGGTTTTGAGACAAGTCGTAGCAGAAGTATTCAGATCCTTT[G>C]AACGTGGCAATATATTCTTCTTTTCCTAGAGGAAAACAGATGATACATACATAAGTAAAC-3'
Protein context (NP_001317007.1, residues 276-296): SKGKEEYIAT[Phe286Leu]KGSEYFCYDL